The following is an entry in ClinVar:

NM_003922.4(HERC1):c.13892G>A (p.Ser4631Asn)

Gene: HERC1 (HECT and RLD domain containing E3 ubiquitin protein ligase family member 1; minus strand). Cytogenetic location: 15q22.31.
Variant type: single nucleotide variant.
Coding change: c.13892G>A on transcript NM_003922.4 (MANE Select); coding-DNA position 13892, G replaced by A.
Protein change: p.Ser4631Asn; replaces serine 4631 with asparagine.
Molecular consequence: missense variant.
Genome position (GRCh38, 1-based): chr15:63,616,479, C>T on the plus strand (G>A on the coding strand, the complement: HERC1 is on the minus strand). VCF-style: chr15-63616479-C-T. GRCh37 (hg19) VCF-style: chr15-63908678-C-T.
Other names: short protein forms S4631N.
Identifiers: ClinVar variation 1321116 (VCV001321116.5), dbSNP rs748563478, ClinGen allele CA7603633.

ClinVar aggregate classification (germline): Uncertain significance. Review status: criteria provided, multiple submitters, no conflicts (2 of 4 stars). 3 submissions from 3 submitters: Uncertain significance (3). Last evaluated 2025-08-20.

Conditions:
Inborn genetic diseases. Identifiers: MedGen C0950123, MeSH D030342.
Macrocephaly, dysmorphic facies, and psychomotor retardation (MDFPMR). Identifiers: Orphanet 457359, MedGen C4310766, MONDO:0014863, OMIM 617011.

Allele frequency attached by ClinVar (database versions not stated): gnomAD exomes 0.00001; TOPMed 0.00001; ExAC 0.00002; gnomAD 0.00002.
gnomAD v4.1: 57 of 1,613,838 alleles (0.0035%); highest among the groups gnomAD compares: Non-Finnish European, 0.0046%; no homozygotes.

Submissions (3):

Ambry Genetics
Classification: Uncertain significance for Inborn genetic diseases. Last evaluated: 2025-08-20. Review status: criteria provided, single submitter. Criteria: Ambry Variant Classification Scheme 2023. Collection method: clinical testing. Allele origin: germline.

GeneDx
Classification: Uncertain significance. Last evaluated: 2025-08-12. Review status: criteria provided, single submitter. Criteria: GeneDx Variant Classification Process June 2021. Collection method: clinical testing. Allele origin: germline. Affected: yes.
Comment: Not observed at significant frequency in large population cohorts (gnomAD); In silico analysis suggests that this missense variant does not alter protein structure/function; Has not been previously published as pathogenic or benign to our knowledge

Baylor Genetics
Classification: Uncertain significance for Macrocephaly, dysmorphic facies, and psychomotor retardation. Last evaluated: 2021-03-25. Review status: criteria provided, single submitter. Criteria: ACMG Guidelines, 2015. Collection method: clinical testing. Allele origin: unknown.